The following is an entry in ClinVar:

NM_000090.4(COL3A1):c.3166G>A (p.Gly1056Ser)

Gene: COL3A1 (collagen type III alpha 1 chain; plus strand). Cytogenetic location: 2q32.2.
Variant type: single nucleotide variant.
Coding change: c.3166G>A on transcript NM_000090.4 (MANE Select); coding-DNA position 3166, G replaced by A.
Protein change: p.Gly1056Ser; replaces glycine 1056 with serine.
Molecular consequence: missense variant.
Genome position (GRCh38, 1-based): chr2:189,006,417, G>A. VCF-style: chr2-189006417-G-A. GRCh37 (hg19) VCF-style: chr2-189871143-G-A.
Other names: short protein forms G1056S.
Identifiers: ClinVar variation 1195573 (VCV001195573.10), dbSNP rs1223008559, ClinGen allele CA349845140.

ClinVar aggregate classification (germline): Pathogenic/Likely pathogenic. Review status: criteria provided, multiple submitters, no conflicts (2 of 4 stars). 7 submissions from 7 submitters: Pathogenic (1); Likely pathogenic (6). Last evaluated 2025-12-29.

Conditions:
Familial thoracic aortic aneurysm and aortic dissection (TAAD). Also called: Thoracic aortic aneurysms and dissections. Identifiers: Orphanet 91387, MedGen C4707243, MONDO:0019625.
Ehlers-Danlos syndrome, type 4 (EDSVASC). Also called: Ehlers-Danlos syndrome vascular type; Ehlers Danlos syndrome, ecchymotic type; Ehlers Danlos syndrome, arterial type; Ehlers Danlos syndrome, Sack-Barabas type; Ehlers-Danlos Syndrome Type IV. Identifiers: Orphanet 286, MedGen C0268338, MONDO:0017314, OMIM 130050.
Micrognathia. Also called: Mandibular hypoplasia. Identifiers: MedGen C0025990, HP:0000347.

Allele frequency attached by ClinVar (database versions not stated): gnomAD exomes below 0.00001; TOPMed below 0.00001; gnomAD 0.00001.
gnomAD v4.1: 3 of 1,613,926 alleles (0.00019%); highest among the groups gnomAD compares: Non-Finnish European, 0.00025%; no homozygotes.

Submissions (7):

Clinical Genetics Laboratory, Skane University Hospital Lund
Classification: Likely pathogenic for Micrognathia. Last evaluated: 2025-12-29. Review status: criteria provided, single submitter. Criteria: ACMG Guidelines, 2015. Collection method: clinical testing. Allele origin: germline. Inheritance: Autosomal dominant inheritance. Affected: yes.
Comment: COL3A1 (NM_000090.4) c.3166G>A, p.(Gly1056Ser) represents a heterozygous nucleotide substitution in exon 43 of 51, leading to the replacement of a highly conserved amino acid within a region of COL3A1 containing repeated glycines: Gly-Xaa-Yaa (PM1_Supporting). Missense variants within glycine repeats in COL3A1 have been associated in the literature with vascular Ehlers–Danlos syndrome (PMID: 24922459, 25758994). The variant is predicted to be functionally damaging with a REVEL score of 0.988 (PP3). The variant has previously been detected at low allele frequency in the general population (gnomAD), has been described in the literature (PMID: 25758994 and 30474650), and is reported as pathogenic/likely pathogenic in ClinVar: variation ID 1195573 (PS4). Another missense variant at the same amino acid position (p.Gly1056Asp) is reported as likely pathogenic in ClinVar: variation ID 101244 (PM5). In summary, the variant NM_000090.4(COL3A1):c.3166G>A; p.(Gly1056Ser) has been classified as likely pathogenic based on the following ACMG criteria: PS4, PM1_Supporting, PM5, and PP3.

Labcorp Genetics (formerly Invitae), Labcorp
Classification: Likely pathogenic for Ehlers-Danlos syndrome, type 4. Last evaluated: 2025-12-09. Review status: criteria provided, single submitter. Criteria: Invitae Variant Classification Sherloc (09022015). Collection method: clinical testing. Allele origin: germline.
Comment: This sequence change replaces glycine, which is neutral and non-polar, with serine, which is neutral and polar, at codon 1056 of the COL3A1 protein (p.Gly1056Ser). This variant is present in population databases (no rsID available, gnomAD 0.0009%). This missense change has been observed in individual(s) with clinical features of COL3A1-related conditions (PMID: 25758994). ClinVar contains an entry for this variant (Variation ID: 1195573). Invitae Evidence Modeling of protein sequence and biophysical properties (such as structural, functional, and spatial information, amino acid conservation, physicochemical variation, residue mobility, and thermodynamic stability) indicates that this missense variant is expected to disrupt COL3A1 protein function with a positive predictive value of 95%. This variant disrupts the triple helix domain of COL3A1. Glycine residues within the Gly-Xaa-Yaa repeats of the triple helix domain are required for the structure and stability of fibrillar collagens (PMID: 7695699, 8218237, 19344236). In COL3A1, variants that affect these glycine residues are significantly enriched in individuals with disease (PMID: 24922459, 25758994) compared to the general population (ExAC). In summary, the currently available evidence indicates that the variant is pathogenic, but additional data are needed to prove that conclusively. Therefore, this variant has been classified as Likely Pathogenic.

Variantyx, Inc.
Classification: Likely pathogenic for Ehlers-Danlos syndrome, type 4. Last evaluated: 2025-06-24. Review status: criteria provided, single submitter. Criteria: Variantyx Assertion Criteria 2022. Collection method: clinical testing. Allele origin: germline. Inheritance: Autosomal dominant inheritance. Affected: yes.
Comment: This is a nonsynonymous variant in the COL3A1 gene (OMIM: 120180). Pathogenic variants in this gene have been associated with autosomal dominant vascular-type Ehlers-Danlos syndrome. This variant has been reported in at least one affected individual (PMID: 25758994 ) (PS4). The alteration lies within a known hotspot for pathogenic variants or a well-established critical functional domain of the COL3A1 protein (PMID: 31075413) (PM1), and multiple computational algorithms predict a deleterious effect for this variant (REVEL score: 0.988) (PP3). This variant has a 0.0003% maximum allele frequency in non-founder control populations (PM2). Based on the current evidence, this variant is classified as likely pathogenic for autosomal dominant vascular-type Ehlers-Danlos syndrome.

Ambry Genetics
Classification: Likely pathogenic for Familial thoracic aortic aneurysm and aortic dissection. Last evaluated: 2025-06-18. Review status: criteria provided, single submitter. Criteria: Ambry Variant Classification Scheme 2023. Collection method: clinical testing. Allele origin: germline.
Comment: The p.G1056S variant (also known as c.3166G>A), located in coding exon 43 of the COL3A1 gene, results from a G to A substitution at nucleotide position 3166. The glycine at codon 1056 is replaced by serine, an amino acid with similar properties. This variant was reported in individual(s) with features consistent with vascular Ehlers-Danlos syndrome (vEDS) (Frank M et al. Eur. J. Hum. Genet. 2015 Dec;23:1657-64). The majority (approximately two-thirds) of COL3A1 mutations identified to date have involved the substitution of another amino acid for glycine within the triple-helical domain (Pepin MG et al. Genet Med. 2014;16(12):881-8; Frank M et al. Eur J Hum Genet. 2015;23(12):1657-64). Internal structural analysis has demonstrated that this alteration disrupts the characteristic G-X-Y motif in the COL3A1 protein and inserts a bulky side chain into a sterically-constrained region (Bella J et al. Science. 1994;266:75-81; Hohenester E et al. Proc. Natl. Acad. Sci. U.S.A. 2008;105:18273-7). Another variant at the same codon, p.G1056V (c.3167G>A), has been identified in individual(s) with features consistent with vEDS (Ananth AL et al. Semin Pediatr Neurol. 2014;21:77-81; Pepin MG et al. Genet. Med. 2014;16:881-8). This amino acid position is highly conserved in available vertebrate species. In addition, this alteration is predicted to be deleterious by in silico analysis. This variant is considered to be rare based on population cohorts in the Genome Aggregation Database (gnomAD). Based on the majority of available evidence to date, this variant is likely to be pathogenic.

Color Diagnostics, LLC DBA Color Health
Classification: Likely pathogenic for Familial thoracic aortic aneurysm and aortic dissection. Last evaluated: 2024-06-05. Review status: criteria provided, single submitter. Criteria: ACMG Guidelines, 2015. Collection method: clinical testing. Allele origin: germline.
Comment: This missense variant replaces glycine with serine at codon 1056 of the COL3A1 protein. This variant changes one of the conserved glycine residues within the Gly-Xaa-Yaa repeat motifs of the triple helical domain of the COL3A1 protein. Although functional studies have not been performed for this variant, conserved glycine residues within the Gly-Xaa-Yaa repeats are required for the structural stability of fibrillar collagens (PMID: 7695699, 8218237, 19344236) and missense variants occurring at these glycine residues have been associated with disease (PMID: 24922459, 25758994). Computational prediction tools indicate that this variant has a deleterious impact on protein structure and function. This variant has been reported in at least one individual affected with familial vascular Ehlers-Danlos syndrome (PMID: 25758994, 30474650). This variant has been identified in 1/251322 chromosomes in the general population by the Genome Aggregation Database (gnomAD). Based on the available evidence, this variant is classified as Likely Pathogenic.

ARUP Laboratories, Molecular Genetics and Genomics, ARUP Laboratories
Classification: Likely pathogenic. Last evaluated: 2023-03-07. Review status: criteria provided, single submitter. Criteria: ARUP Molecular Germline Variant Investigation Process 2024. Collection method: clinical testing. Allele origin: germline.
Comment: The COL3A1 c.3166G>A; p.Gly1056Ser variant (rs1223008559) is reported in the literature in individuals with vascular type Ehlers-Danlos syndrome (Frank 2015, Legrand 2019), and is also reported in ClinVar (Variation ID: 1195573). This variant is only found on one allele in the Genome Aggregation Database, indicating it is not a common polymorphism. Computational analyses predict that this variant is deleterious (REVEL: 0.988). This variant alters a highly conserved glycine residue in the triple helical domain. Variants that remove a glycine in the triple helix repeat region are often pathogenic (Persikov 2004, Weerakkody 2016). Based on available information, this variant is considered to be likely pathogenic. References: Frank M et al. The type of variants at the COL3A1 gene associates with the phenotype and severity of vascular Ehlers-Danlos syndrome. Eur J Hum Genet. 2015 Dec;23(12):1657-64. PMID: 25758994. Legrand A et al. Frequency of de novo variants and parental mosaicism in vascular Ehlers-Danlos syndrome. Genet Med. 2019 Jul;21(7):1568-1575. PMID: 30474650. Persikov A et al. Stability related bias in residues replacing glycines within the collagen triple helix (Gly-Xaa-Yaa) in inherited connective tissue disorders. Hum Mutat. 2004 Oct;24(4):330-7. PMID: 15365990. Weerakkody R et al. Targeted next-generation sequencing makes new molecular diagnoses and expands genotype-phenotype relationship in Ehlers-Danlos syndrome. Genet Med. 2016; 18(11):1119-1127. PMID: 27011056.

GeneDx
Classification: Pathogenic. Last evaluated: 2019-07-08. Review status: criteria provided, single submitter. Criteria: GeneDx Variant Classification Process June 2021. Collection method: clinical testing. Allele origin: germline. Affected: yes.
Comment: Not observed at a significant frequency in large population cohorts (Lek et al., 2016); In silico analysis, which includes protein predictors and evolutionary conservation, supports a deleterious effect; Occurs in the triple helical domain and replaces the glycine in the canonical Gly-X-Y repeat; missense substitution of a canonical glycine residue is expected to disrupt normal protein folding and function, and this is an established mechanism of disease (Stenson et al., 2014); This variant is associated with the following publications: (PMID: 30474650, 25758994)

Literature cited by the submitters: PubMed 25758994 (cited by 4 submitters); PubMed 7695699 (cited by Labcorp Genetics (formerly Invitae), Labcorp and Color Diagnostics, LLC DBA Color Health); PubMed 8218237 (cited by Labcorp Genetics (formerly Invitae), Labcorp and Color Diagnostics, LLC DBA Color Health); PubMed 19344236 (cited by Labcorp Genetics (formerly Invitae), Labcorp and Color Diagnostics, LLC DBA Color Health); PubMed 24922459 (cited by Labcorp Genetics (formerly Invitae), Labcorp and Color Diagnostics, LLC DBA Color Health); PubMed 31075413 (cited by Variantyx, Inc.); PubMed 30474650 (cited by Ambry Genetics and Color Diagnostics, LLC DBA Color Health).